The following is an entry in ClinVar:

NC_000003.11:g.(?_141205926)_(141331155_?)dup

Gene: RASA2 (RAS p21 protein activator 2; plus strand). Cytogenetic location: 3q23.
Variant type: Duplication.
Identifiers: ClinVar variation 1411545 (VCV001411545.4).

ClinVar aggregate classification (germline): Uncertain significance (1 of 4 stars; one submission).

Submission:

Labcorp Genetics (formerly Invitae), Labcorp
Classification: Uncertain significance. Last evaluated: 2021-06-14. Review status: criteria provided, single submitter. Criteria: Invitae Variant Classification Sherloc (09022015). Collection method: clinical testing. Allele origin: germline.
Comment: In summary, the available evidence is currently insufficient to determine the role of this variant in disease. Therefore, it has been classified as a Variant of Uncertain Significance. This variant has not been reported in the literature in individuals with RASA2-related conditions. A copy number gain of the genomic region encompassing the full coding sequence of the RASA2 gene has been identified. The boundaries of this event are unknown as they extend beyond the assayed region for this gene and therefore may encompass additional genes. As the precise location of this event is unknown, it may be in tandem or it may be located elsewhere in the genome.